The following is an entry in ClinVar:

ClinVar aggregate classification (germline): Uncertain significance (1 of 4 stars; one submission).

Conditions:
Glycogen storage disease, type II (IOPD). Also called: CARDIOMEGALIA GLYCOGENICA DIFFUSA; POMPE DISEASE, INFANTILE-ONSET; GLYCOGEN STORAGE DISEASE II, INFANTILE-ONSET; ACID ALPHA-GLUCOSIDASE DEFICIENCY, INFANTILE-ONSET; GAA DEFICIENCY, INFANTILE-ONSET; ACID MALTASE DEFICIENCY, INFANTILE-ONSET. Identifiers: Orphanet 365, MedGen C0017921, MONDO:0009290, OMIM 232300.

Submission:

Labcorp Genetics (formerly Invitae), Labcorp
Classification: Uncertain significance for Glycogen storage disease, type II. Last evaluated: 2022-05-07. Review status: criteria provided, single submitter. Criteria: Invitae Variant Classification Sherloc (09022015). Collection method: clinical testing. Allele origin: germline.
Comment: This sequence change replaces leucine, which is neutral and non-polar, with arginine, which is basic and polar, at codon 899 of the GAA protein (p.Leu899Arg). This variant is not present in population databases (gnomAD no frequency). This variant has not been reported in the literature in individuals affected with GAA-related conditions. Advanced modeling of protein sequence and biophysical properties (such as structural, functional, and spatial information, amino acid conservation, physicochemical variation, residue mobility, and thermodynamic stability) performed at Invitae indicates that this missense variant is expected to disrupt GAA protein function. In summary, the available evidence is currently insufficient to determine the role of this variant in disease. Therefore, it has been classified as a Variant of Uncertain Significance.

NM_000152.5(GAA):c.2696T>G (p.Leu899Arg)

Gene: GAA (alpha glucosidase; plus strand). Cytogenetic location: 17q25.3.
Variant type: single nucleotide variant.
Coding change: c.2696T>G on transcript NM_000152.5 (MANE Select); coding-DNA position 2696, T replaced by G.
Protein change: p.Leu899Arg; replaces leucine 899 with arginine.
Molecular consequence: missense variant.
Genome position (GRCh38, 1-based): chr17:80,118,702, T>G. VCF-style: chr17-80118702-T-G. GRCh37 (hg19) VCF-style: chr17-78092501-T-G.
Other names: c.2696T>G, p.Leu899Arg (NM_001079803.3, NM_001079804.3, NM_001406741.1 and 1 more transcripts); short protein forms L899R.
Identifiers: ClinVar variation 2134932 (VCV002134932.1), dbSNP rs2510404278, ClinGen allele CA401326860.